The following is an entry in ClinVar:

NM_000350.3(ABCA4):c.5828T>C (p.Leu1943Pro)

Gene: ABCA4 (ATP binding cassette subfamily A member 4; minus strand). Cytogenetic location: 1p22.1.
Variant type: single nucleotide variant.
Coding change: c.5828T>C on transcript NM_000350.3 (MANE Select); coding-DNA position 5828, T replaced by C.
Protein change: p.Leu1943Pro; replaces leucine 1943 with proline.
Molecular consequence: missense variant.
Genome position (GRCh38, 1-based): chr1:94,008,758, A>G on the plus strand (T>C on the coding strand, the complement: ABCA4 is on the minus strand). VCF-style: chr1-94008758-A-G. GRCh37 (hg19) VCF-style: chr1-94474314-A-G.
Other names: c.5606T>C, p.Leu1869Pro (NM_001425324.1); short protein forms L1943P, L1869P.
Identifiers: ClinVar variation 236139 (VCV000236139.11), dbSNP rs886044755, ClinGen allele CA10602414.

ClinVar aggregate classification (germline): Conflicting classifications of pathogenicity. Review status: criteria provided, conflicting classifications (1 of 4 stars). 3 submissions from 3 submitters: Pathogenic (1); Likely pathogenic (1); Uncertain significance (1). Last evaluated 2022-09-17.

Conditions:
Retinal dystrophy. Also called: Inherited retinal dystrophy. Identifiers: Orphanet 71862, MedGen C0854723, MeSH D058499, MONDO:0019118, HP:0000556.
ABCA4-related disorder. Also called: ABCA4-related condition; ABCA4-related disorders. Identifiers: MedGen CN239167.

Submissions (3):

Blueprint Genetics
Classification: Likely pathogenic for ABCA4-related disorders. Last evaluated: 2022-09-17. Review status: criteria provided, single submitter. Criteria: ACMG Guidelines, 2015. Collection method: clinical testing. Allele origin: germline. Affected: yes. Observed: 3 variant alleles.

Labcorp Genetics (formerly Invitae), Labcorp
Classification: Pathogenic. Last evaluated: 2022-07-19. Review status: criteria provided, single submitter. Criteria: Invitae Variant Classification Sherloc (09022015). Collection method: clinical testing. Allele origin: germline.
Comment: For these reasons, this variant has been classified as Pathogenic. Advanced modeling of protein sequence and biophysical properties (such as structural, functional, and spatial information, amino acid conservation, physicochemical variation, residue mobility, and thermodynamic stability) performed at Invitae indicates that this missense variant is expected to disrupt ABCA4 protein function. ClinVar contains an entry for this variant (Variation ID: 236139). This missense change has been observed in individuals with clinical features of Stargardt disease or cone-rod dystrophy (PMID: 20647261, 28118664; Invitae). This variant is not present in population databases (gnomAD no frequency). This sequence change replaces leucine, which is neutral and non-polar, with proline, which is neutral and non-polar, at codon 1943 of the ABCA4 protein (p.Leu1943Pro).

Institute of Human Genetics, Univ. Regensburg, Univ. Regensburg
Classification: Uncertain significance for Retinal dystrophy. Last evaluated: 2011-01-01. Review status: criteria provided, single submitter. Criteria: ACMG Guidelines, 2015. Collection method: clinical testing. Allele origin: germline. Affected: yes.

Literature cited by the submitters: PubMed 20647261 (cited by Labcorp Genetics (formerly Invitae), Labcorp and Institute of Human Genetics, Univ. Regensburg, Univ. Regensburg); PubMed 28118664 (cited by Labcorp Genetics (formerly Invitae), Labcorp and Institute of Human Genetics, Univ. Regensburg, Univ. Regensburg); PubMed 2811866 (cited by Institute of Human Genetics, Univ. Regensburg, Univ. Regensburg).